The following is an entry in ClinVar:

ClinVar aggregate classification (germline): Uncertain significance (1 of 4 stars; one submission).

Allele frequency attached by ClinVar (database versions not stated): gnomAD exomes below 0.00001; gnomAD 0.00001; TOPMed 0.00001.

Submission:

GeneDx
Classification: Uncertain significance. Last evaluated: 2019-12-31. Review status: criteria provided, single submitter. Criteria: GeneDx Variant Classification Process June 2021. Collection method: clinical testing. Allele origin: germline. Affected: yes.
Comment: Has not been previously published as pathogenic or benign to our knowledge; Variant in the 5'UTR has no predicted effect on splicing. No new ATG is created and the Kozak consensus sequence is not altered.; Not observed in large population cohorts (Lek et al., 2016)

NM_000303.3(PMM2):c.-1dup (p.Met1fs)

Gene: PMM2 (phosphomannomutase 2; plus strand). Cytogenetic location: 16p13.2.
Variant type: Duplication.
Coding change: c.-1dup on transcript NM_000303.3 (MANE Select); 1 bases upstream of the start codon, one base duplicated (C; older notation c.-1dupC).
Protein change: p.Met1fs; shifts the reading frame from methionine 1.
Molecular consequence: frameshift variant.
Genome position (GRCh38, 1-based): chr16:8,797,882, C duplicated. VCF-style (leftmost placement, unchanged base first): chr16-8797881-A-AC. GRCh37 (hg19) VCF-style: chr16-8891738-A-AC.
Other names: short protein forms M1fs.
Identifiers: ClinVar variation 1311376 (VCV001311376.2), dbSNP rs1348674721, ClinGen allele CA725521018.
Genomic context (GRCh38, chr16:8,797,881, plus strand): 5'-AAGTTCCGGGCCGAGTTCCTCGTGCCAACGTGTCTTGTAAGGTGCGGCTAGAAACTGGGG[A>AC]CATGGCAGCGCCTGGCCCAGCGCTCTGCCTCTTCGACGTGGATGGGACCCTCACCGCCCC-3'